The following is an entry in ClinVar:

NM_004530.6(MMP2):c.1674C>A (p.Ser558Arg)

Gene: MMP2 (matrix metallopeptidase 2; plus strand). Cytogenetic location: 16q12.2.
Variant type: single nucleotide variant.
Coding change: c.1674C>A on transcript NM_004530.6 (MANE Select); coding-DNA position 1674, C replaced by A.
Protein change: p.Ser558Arg; replaces serine 558 with arginine.
Molecular consequence: missense variant.
Genome position (GRCh38, 1-based): chr16:55,498,353, C>A. VCF-style: chr16-55498353-C-A. GRCh37 (hg19) VCF-style: chr16-55532265-C-A.
Other names: c.1674C>A (NM_004530.4); c.1524C>A, p.Ser508Arg (NM_001127891.3); c.1446C>A, p.Ser482Arg (NM_001302508.1, NM_001302509.2, NM_001302510.2); short protein forms S482R, S508R, S558R.
Identifiers: ClinVar variation 3391497 (VCV003391497.2).

ClinVar aggregate classification (germline): Uncertain significance. Review status: criteria provided, multiple submitters, no conflicts (2 of 4 stars). 2 submissions from 2 submitters: Uncertain significance (2). Last evaluated 2025-08-22.

Conditions:
Inborn genetic diseases. Identifiers: MedGen C0950123, MeSH D030342.

gnomAD v4.1: 3 of 1,614,142 alleles (0.00019%); highest among the groups gnomAD compares: African/African-American, 0.0027%; no homozygotes.

Submissions (2):

Ambry Genetics
Classification: Uncertain significance for Inborn genetic diseases. Last evaluated: 2025-08-22. Review status: criteria provided, single submitter. Criteria: Ambry Variant Classification Scheme 2023. Collection method: clinical testing. Allele origin: germline.

GeneDx
Classification: Uncertain significance. Last evaluated: 2024-06-22. Review status: criteria provided, single submitter. Criteria: GeneDx Variant Classification Process June 2021. Collection method: clinical testing. Allele origin: germline. Affected: yes.
Comment: Not observed at significant frequency in large population cohorts (gnomAD); In silico analysis indicates that this missense variant does not alter protein structure/function; Has not been previously published as pathogenic or benign to our knowledge